The following is an entry in ClinVar:

ClinVar aggregate classification (germline): Pathogenic (1 of 4 stars; one submission).

Conditions:
Mucopolysaccharidosis, MPS-IV-B (MPS4B). Also called: MORQUIO SYNDROME B; Mucopolysaccharidosis type IV B; Mucopolysaccharidosis Type IVB; Mucopolysaccharidosis type 4B; Mucopolysaccharidosis type IVB (Morquio); MPS IVB. Identifiers: Orphanet 309310, Orphanet 582, MedGen C0086652, MONDO:0009660, OMIM 253010.

Submission:

Women's Health and Genetics/Laboratory Corporation of America, LabCorp
Classification: Pathogenic for Mucopolysaccharidosis, MPS-IV-B. Last evaluated: 2024-08-07. Review status: criteria provided, single submitter. Criteria: LabCorp Variant Classification Summary - May 2015. Collection method: clinical testing. Allele origin: germline.
Comment: Variant summary: GLB1 c.659dupC (p.Asp221X) results in a premature termination codon, predicted to cause a truncation of the encoded protein or absence of the protein due to nonsense mediated decay, which are commonly known mechanisms for disease. The variant was absent in 249202 control chromosomes. To our knowledge, no occurrence of c.659dupC in individuals affected with Mucopolysaccharidosis Type IVB (Morquio Syndrome B) and no experimental evidence demonstrating its impact on protein function have been reported. No submitters have cited clinical-significance assessments for this variant to ClinVar. Based on the evidence outlined above, the variant was classified as pathogenic.

NM_000404.4(GLB1):c.659dup (p.Thr220_Asp221insTer)

Gene: GLB1 (galactosidase beta 1; minus strand). Cytogenetic location: 3p22.3.
Variant type: Duplication.
Coding change: c.659dup on transcript NM_000404.4 (MANE Select); coding-DNA position 659, one base duplicated (C; older notation c.659dupC).
Protein change: p.Thr220_Asp221insTer.
Molecular consequence: frameshift variant. On other transcripts: intron variant (1).
Genome position (GRCh38, 1-based): chr3:33,058,163, G duplicated on the plus strand (C on the coding strand, the reverse complement: GLB1 is on the minus strand). VCF-style (leftmost placement, unchanged base first): chr3-33058162-A-AG. GRCh37 (hg19) VCF-style: chr3-33099654-A-AG.
Other names: c.569dup, p.Thr190_Asp191insTer (NM_001079811.3); c.803dup, p.Thr268_Asp269insTer (NM_001317040.2); c.659dup, p.Thr220_Asp221insTer (NM_001393580.1); c.341-4614dup (NM_001135602.3); c.659dupC (NM_000404.4).
Identifiers: ClinVar variation 3366437 (VCV003366437.1).